The following is an entry in ClinVar:

ClinVar aggregate classification (germline): Uncertain significance (1 of 4 stars; one submission).

Conditions:
NPM1-related disorder. Also called: NPM1-related condition.

Submission:

PreventionGenetics, part of Exact Sciences
Classification: Uncertain significance for NPM1-related condition. Last evaluated: 2022-10-05. Review status: criteria provided, single submitter. Criteria: ACMG Guidelines, 2015. Collection method: clinical testing. Allele origin: germline.
Comment: The NPM1 c.519_521delTGA variant is predicted to result in an in-frame deletion (p.Asp173del). To our knowledge, this variant has not been reported in the literature. This variant is reported in 0.072% of alleles in individuals of South Asian descent in gnomAD. At this time, the clinical significance of this variant is uncertain due to the absence of conclusive functional and genetic evidence.

NM_002520.7(NPM1):c.513TGA[2] (p.Asp173del)

Gene: NPM1 (nucleophosmin 1; plus strand). Cytogenetic location: 5q35.1.
Variant type: Microsatellite.
Coding change: c.513TGA[2] on transcript NM_002520.7 (MANE Select); two copies in a row of the 3-base unit TGA starting at c.513; the reference has three copies in a row; one copy, 3 bases deleted.
Protein change: p.Asp173del; deletes aspartic acid 173.
Molecular consequence: inframe deletion. On other transcripts: inframe indel (2).
Genome position (GRCh38, 1-based): chr5:171,392,973-171,392,975, TGA deleted; deleting any 3 consecutive bases within chr5:171,392,965-171,392,975 gives the same sequence; the position shown is the placement nearest the transcript's 3' end. VCF-style (leftmost placement, unchanged base first): chr5-171392964-GGAT-G. GRCh37 (hg19) VCF-style: chr5-170819968-GGAT-G.
Other names: c.513TGA[2], p.Asp173del (NM_001037738.3, NM_001355006.2, NM_001355009.2 and 1 more transcripts); c.321TGA[2], p.Asp109del (NM_001355007.2); c.219TGA[2], p.Asp75del (NM_001355010.2); c.513_515TGA[2], p.Asp173del (NM_002520.6); c.519_521delTGA (NM_002520.6); short protein forms D109del, D173del, D75del.
Identifiers: ClinVar variation 2631984 (VCV002631984.1), dbSNP rs767897913, ClinGen allele CA3558612.